The following is an entry in ClinVar:

ClinVar aggregate classification (germline): Conflicting classifications of pathogenicity. Review status: criteria provided, conflicting classifications (1 of 4 stars). 3 submissions from 3 submitters: Uncertain significance (1); Likely benign (2). Last evaluated 2025-10-30.

Conditions:
Autosomal recessive nonsyndromic hearing loss 77. Identifiers: Orphanet 90636, MedGen C2746083, MONDO:0013119, OMIM 613079.

Allele frequency attached by ClinVar (database versions not stated): TOPMed 0.00004; gnomAD 0.00007.
gnomAD v4.1: 37 of 1,552,104 alleles (0.0024%); highest among the groups gnomAD compares: South Asian, 0.0036%; no homozygotes.

Submissions (3):

Labcorp Genetics (formerly Invitae), Labcorp
Classification: Likely benign. Last evaluated: 2025-10-30. Review status: criteria provided, single submitter. Criteria: Invitae Variant Classification Sherloc (09022015). Collection method: clinical testing. Allele origin: germline.

Illumina Laboratory Services, Illumina
Classification: Uncertain significance for Autosomal recessive nonsyndromic hearing loss 77. Last evaluated: 2018-01-13. Review status: criteria provided, single submitter. Criteria: ICSL Variant Classification Criteria 13 December 2019. Collection method: clinical testing. Allele origin: germline.

Laboratory for Molecular Medicine, Mass General Brigham Personalized Medicine
Classification: Likely benign. Last evaluated: 2012-04-30. Review status: criteria provided, single submitter. Criteria: LMM Criteria. Collection method: clinical testing. Allele origin: germline. Observed: 1 variant allele.
Comment: p.His1093His in exon 21 of LOXHD1: This variant is not expected to have clinical significance because it does not alter an amino acid residue and is not located within the splice consensus sequence. It has been identified in 1/702 African A merican chromosomes by the NHLBI Exome Sequencing Project.

NM_001384474.1(LOXHD1):c.3279C>T (p.His1093=)

Gene: LOXHD1 (lipoxygenase homology PLAT domains 1; minus strand). Cytogenetic location: 18q21.1.
Variant type: single nucleotide variant.
Coding change: c.3279C>T on transcript NM_001384474.1 (MANE Select); coding-DNA position 3279, C replaced by T.
Protein change: p.His1093=; no amino-acid change (histidine 1093 retained).
Molecular consequence: synonymous variant. On other transcripts: 5 prime UTR variant (1).
Genome position (GRCh38, 1-based): chr18:46,557,427, G>A on the plus strand (C>T on the coding strand, the complement: LOXHD1 is on the minus strand). VCF-style: chr18-46557427-G-A. GRCh37 (hg19) VCF-style: chr18-44137390-G-A.
Other names: c.-55C>T (NM_001145472.3); c.3279C>T, p.His1093= (NM_144612.7).
Identifiers: ClinVar variation 227516 (VCV000227516.18), dbSNP rs751278435, ClinGen allele CA10577079.